The following is an entry in ClinVar:

NM_001282933.2(ZNF341):c.1916G>A (p.Arg639Lys)

Genes: ZNF341 (zinc finger protein 341; plus strand), ZNF341-AS1 (ZNF341 antisense RNA 1; minus strand). Cytogenetic location: 20q11.22.
Variant type: single nucleotide variant.
Coding change: c.1916G>A on transcript NM_001282933.2 (MANE Select); coding-DNA position 1916, G replaced by A.
Protein change: p.Arg639Lys; replaces arginine 639 with lysine.
Molecular consequence: missense variant. On other transcripts: non-coding transcript variant (1).
Genome position (GRCh38, 1-based): chr20:33,788,926, G>A. VCF-style: chr20-33788926-G-A. GRCh37 (hg19) VCF-style: chr20-32376732-G-A.
Other names: c.1646G>A, p.Arg549Lys (NM_001282935.2); c.1895G>A, p.Arg632Lys (NM_032819.5); short protein forms R549K, R632K, R639K.
Identifiers: ClinVar variation 2092185 (VCV002092185.5), dbSNP rs774532521, ClinGen allele CA9819616.

ClinVar aggregate classification (germline): Uncertain significance. Review status: criteria provided, multiple submitters, no conflicts (2 of 4 stars). 2 submissions from 2 submitters: Uncertain significance (2). Last evaluated 2023-12-11.

Allele frequency attached by ClinVar (database versions not stated): gnomAD exomes below 0.00001; ExAC 0.00001.
gnomAD v4.1: 2 of 1,614,066 alleles (0.00012%); highest among the groups gnomAD compares: Admixed American, 0.0017%; no homozygotes.

Submissions (2):

Labcorp Genetics (formerly Invitae), Labcorp
Classification: Uncertain significance. Last evaluated: 2023-12-11. Review status: criteria provided, single submitter. Criteria: Invitae Variant Classification Sherloc (09022015). Collection method: clinical testing. Allele origin: germline.
Comment: This sequence change replaces arginine, which is basic and polar, with lysine, which is basic and polar, at codon 632 of the ZNF341 protein (p.Arg632Lys). This variant is present in population databases (rs774532521, gnomAD 0.003%). This variant has not been reported in the literature in individuals affected with ZNF341-related conditions. ClinVar contains an entry for this variant (Variation ID: 2092185). An algorithm developed to predict the effect of missense changes on protein structure and function (PolyPhen-2) suggests that this variant is likely to be disruptive. In summary, the available evidence is currently insufficient to determine the role of this variant in disease. Therefore, it has been classified as a Variant of Uncertain Significance.

Ambry Genetics
Classification: Uncertain significance. Last evaluated: 2022-07-12. Review status: criteria provided, single submitter. Criteria: Ambry Variant Classification Scheme 2023. Collection method: clinical testing. Allele origin: germline.